The following is an entry in ClinVar:

NM_001356.5(DDX3X):c.465C>A (p.Asn155Lys)

Gene: DDX3X (DEAD-box helicase 3 X-linked; plus strand). Cytogenetic location: Xp11.4.
Variant type: single nucleotide variant.
Coding change: c.465C>A on transcript NM_001356.5 (MANE Select); coding-DNA position 465, C replaced by A.
Protein change: p.Asn155Lys; replaces asparagine 155 with lysine.
Molecular consequence: missense variant. On other transcripts: 5 prime UTR variant (1), non-coding transcript variant (1).
Genome position (GRCh38, 1-based): chrX:41,342,758, C>A. VCF-style: chrX-41342758-C-A. GRCh37 (hg19) VCF-style: chrX-41202011-C-A.
Other names: c.465C>A, p.Asn155Lys (NM_001193416.3); c.417C>A, p.Asn139Lys (NM_001193417.3); c.-94C>A (NM_001363819.1); short protein forms N139K, N155K.
Identifiers: ClinVar variation 2503282 (VCV002503282.1), dbSNP rs573700935, ClinGen allele CA412766994.

ClinVar aggregate classification (germline): Uncertain significance (1 of 4 stars; one submission).

Submission:

GeneDx
Classification: Uncertain significance. Last evaluated: 2022-11-23. Review status: criteria provided, single submitter. Criteria: GeneDx Variant Classification Process June 2021. Collection method: clinical testing. Allele origin: germline. Affected: yes.
Comment: Not observed at significant frequency in large population cohorts (gnomAD); In silico analysis supports that this missense variant has a deleterious effect on protein structure/function; Has not been previously published as pathogenic or benign to our knowledge